The following is an entry in ClinVar:

NC_000001.10:g.(?_216219884)_(216227803_?)del

Gene: USH2A (usherin; minus strand). Cytogenetic location: 1q41.
Variant type: Deletion.
Identifiers: ClinVar variation 3248092 (VCV003248092.1).

ClinVar aggregate classification (germline): Likely pathogenic (1 of 4 stars; one submission).

Submission:

Labcorp Genetics (formerly Invitae), Labcorp
Classification: Likely pathogenic. Last evaluated: 2022-09-01. Review status: criteria provided, single submitter. Criteria: Invitae Variant Classification Sherloc (09022015). Collection method: clinical testing. Allele origin: unknown.
Comment: In summary, the currently available evidence indicates that the variant is pathogenic, but additional data are needed to prove that conclusively. Therefore, this variant has been classified as Likely Pathogenic. This variant has been observed in individual(s) with retinitis pigmentosa (Invitae). This variant results in the deletion of exon 31 and part of exon 32 (c.6050-5814_6214del) of the USH2A gene. It is expected to disrupt RNA splicing. Variants that disrupt the donor or acceptor splice site typically lead to a loss of protein function (PMID: 16199547), and loss-of-function variants in USH2A are known to be pathogenic (PMID: 10729113, 10909849, 20507924, 25649381).

Literature cited by the submitters: PubMed 16199547; PubMed 10729113; PubMed 10909849; PubMed 20507924; PubMed 25649381.